The following is an entry in ClinVar:

NM_005157.6(ABL1):c.1837A>G (p.Thr613Ala)

Gene: ABL1 (ABL proto-oncogene 1, non-receptor tyrosine kinase; plus strand). Cytogenetic location: 9q34.12.
Variant type: single nucleotide variant.
Coding change: c.1837A>G on transcript NM_005157.6 (MANE Select); coding-DNA position 1837, A replaced by G.
Protein change: p.Thr613Ala; replaces threonine 613 with alanine.
Molecular consequence: missense variant.
Genome position (GRCh38, 1-based): chr9:130,884,127, A>G. VCF-style: chr9-130884127-A-G. GRCh37 (hg19) VCF-style: chr9-133759514-A-G.
Other names: c.1894A>G, p.Thr632Ala (NM_007313.3); short protein forms T632A, T613A.
Identifiers: ClinVar variation 3673823 (VCV003673823.2).
Genomic context (GRCh38, chr9:130,884,127, plus strand): 5'-AAAGACAAAAAGACCAACTTGTTCAGCGCCTTGATCAAGAAGAAGAAGAAGACAGCCCCA[A>G]CCCCTCCCAAACGCAGCAGCTCCTTCCGGGAGATGGACGGCCAGCCGGAGCGCAGAGGGG-3'
Protein context (NP_005148.2, residues 603-623): LIKKKKKTAP[Thr613Ala]PPKRSSSFRE

ClinVar aggregate classification (germline): Uncertain significance (1 of 4 stars; one submission).

gnomAD v4.1: 2 of 1,613,378 alleles (0.00012%); highest among the groups gnomAD compares: Admixed American, 0.0017%; no homozygotes.

Submission:

Labcorp Genetics (formerly Invitae), Labcorp
Classification: Uncertain significance. Last evaluated: 2024-11-29. Review status: criteria provided, single submitter. Criteria: Invitae Variant Classification Sherloc (09022015). Collection method: clinical testing. Allele origin: germline.
Comment: This sequence change replaces threonine, which is neutral and polar, with alanine, which is neutral and non-polar, at codon 632 of the ABL1 protein (p.Thr632Ala). This variant is not present in population databases (gnomAD no frequency). This variant has not been reported in the literature in individuals affected with ABL1-related conditions. Invitae Evidence Modeling of protein sequence and biophysical properties (such as structural, functional, and spatial information, amino acid conservation, physicochemical variation, residue mobility, and thermodynamic stability) indicates that this missense variant is not expected to disrupt ABL1 protein function with a negative predictive value of 95%. In summary, the available evidence is currently insufficient to determine the role of this variant in disease. Therefore, it has been classified as a Variant of Uncertain Significance.